The following is an entry in ClinVar:

ClinVar aggregate classification (germline): Uncertain significance (1 of 4 stars; one submission).

Conditions:
Charcot-Marie-Tooth disease type 1C. Also called: CHARCOT-MARIE-TOOTH NEUROPATHY, TYPE 1C; NEUROPATHY, HEREDITARY MOTOR AND SENSORY, TYPE IC; Charcot-Marie-Tooth disease, type IC; CHARCOT-MARIE-TOOTH DISEASE, DEMYELINATING, TYPE 1C; CMT, SLOW NERVE CONDUCTION TYPE C; HMSN IC. Identifiers: Orphanet 101083, MedGen C0270913, MONDO:0010995, OMIM 601098.

Submission:

Labcorp Genetics (formerly Invitae), Labcorp
Classification: Uncertain significance for Charcot-Marie-Tooth disease type 1C. Last evaluated: 2018-06-24. Review status: criteria provided, single submitter. Criteria: Invitae Variant Classification Sherloc (09022015). Collection method: clinical testing. Allele origin: germline.
Comment: This variant is a gross deletion of the genomic region encompassing exon 2 of the LITAF gene, which includes the initiator codon. The 5' end of this event is unknown as it extends beyond the assayed region for this gene and therefore may encompass additional genes. The 3' boundary is likely confined to intron 2 of the LITAF gene. This is expected to result in an absent or disrupted protein product. This variant has not been reported in individuals affected with LITAF-related conditions. The current clinical and genetic evidence is not sufficient to establish whether loss-of-function variants in LITAF cause disease. In summary, the available evidence is currently insufficient to determine the role of this variant in disease. Therefore, it has been classified as a Variant of Uncertain Significance.

NC_000016.9:g.(?_11650347)_(11650606_?)del

Gene: LITAF (lipopolysaccharide induced TNF factor; minus strand). Cytogenetic location: 16p13.13.
Variant type: Deletion.
Identifiers: ClinVar variation 1024595 (VCV001024595.5).